The following is an entry in ClinVar:

NM_000444.6(PHEX):c.1528C>T (p.Arg510Cys)

Gene: PHEX (phosphate regulating endopeptidase X-linked; plus strand). Cytogenetic location: Xp22.11.
Variant type: single nucleotide variant.
Coding change: c.1528C>T on transcript NM_000444.6 (MANE Select); coding-DNA position 1528, C replaced by T.
Protein change: p.Arg510Cys; replaces arginine 510 with cysteine.
Molecular consequence: missense variant.
Genome position (GRCh38, 1-based): chrX:22,178,318, C>T. VCF-style: chrX-22178318-C-T. GRCh37 (hg19) VCF-style: chrX-22196435-C-T.
Other names: c.1528C>T, p.Arg510Cys (NM_001282754.2); short protein forms R510C.
Identifiers: ClinVar variation 4693942 (VCV004693942.1).

ClinVar aggregate classification (germline): Uncertain significance (1 of 4 stars; one submission).

gnomAD v4.1: 4 of 1,204,796 alleles (0.00033%); highest among the groups gnomAD compares: Non-Finnish European, 0.00045%; no homozygotes.

Submission:

Labcorp Genetics (formerly Invitae), Labcorp
Classification: Uncertain significance. Last evaluated: 2025-04-22. Review status: criteria provided, single submitter. Criteria: Invitae Variant Classification Sherloc (09022015). Collection method: clinical testing. Allele origin: germline.
Comment: This sequence change replaces arginine, which is basic and polar, with cysteine, which is neutral and slightly polar, at codon 510 of the PHEX protein (p.Arg510Cys). This variant is not present in population databases (gnomAD no frequency). This variant has not been reported in the literature in individuals affected with PHEX-related conditions. Invitae Evidence Modeling of protein sequence and biophysical properties (such as structural, functional, and spatial information, amino acid conservation, physicochemical variation, residue mobility, and thermodynamic stability) has been performed for this missense variant. However, the output from this modeling did not meet the statistical confidence thresholds required to predict the impact of this variant on PHEX protein function. This variant disrupts the p.Arg510 amino acid residue in PHEX. Other variant(s) that disrupt this residue have been determined to be pathogenic (PMID: 14564077, 21902834; internal data). This suggests that this residue is clinically significant, and that variants that disrupt this residue are likely to be disease-causing. In summary, the available evidence is currently insufficient to determine the role of this variant in disease. Therefore, it has been classified as a Variant of Uncertain Significance.

Literature cited by the submitters: PubMed 14564077; PubMed 21902834.